The following is an entry in ClinVar:

NM_017849.4(TMEM127):c.82G>T (p.Glu28Ter)

Genes: TMEM127 (transmembrane protein 127; minus strand), LOC129934333 (ATAC-STARR-seq lymphoblastoid silent region 11759; plus strand). Cytogenetic location: 2q11.2.
Variant type: single nucleotide variant.
Coding change: c.82G>T on transcript NM_017849.4 (MANE Select); coding-DNA position 82, G replaced by T.
Protein change: p.Glu28Ter; replaces glutamic acid 28 with a stop codon.
Molecular consequence: nonsense.
Genome position (GRCh38, 1-based): chr2:96,265,300, C>A on the plus strand (G>T on the coding strand, the complement: TMEM127 is on the minus strand). VCF-style: chr2-96265300-C-A. GRCh37 (hg19) VCF-style: chr2-96931038-C-A.
Other names: c.82G>T, p.Glu28Ter (NM_001193304.3); short protein forms E28*.
Identifiers: ClinVar variation 1977801 (VCV001977801.5), dbSNP rs776127077, ClinGen allele CA1777401.

ClinVar aggregate classification (germline): Pathogenic (1 of 4 stars; one submission).

Conditions:
Hereditary pheochromocytoma and paraganglioma. Also called: Hereditary paragangliomas and pheochromocytomas; Hereditary Paraganglioma-Pheochromocytoma Syndromes; Hereditary pheochromocytoma-paraganglioma. Identifiers: Orphanet 29072, MedGen C4274332, MONDO:0017366.

Allele frequency attached by ClinVar (database versions not stated): gnomAD exomes 0.00001.

Submission:

Labcorp Genetics (formerly Invitae), Labcorp
Classification: Pathogenic for Hereditary pheochromocytoma and paraganglioma. Last evaluated: 2022-03-17. Review status: criteria provided, single submitter. Criteria: Invitae Variant Classification Sherloc (09022015). Collection method: clinical testing. Allele origin: germline.
Comment: This sequence change creates a premature translational stop signal (p.Glu28*) in the TMEM127 gene. It is expected to result in an absent or disrupted protein product. Loss-of-function variants in TMEM127 are known to be pathogenic (PMID: 20154675, 21156949). This variant is not present in population databases (gnomAD no frequency). This variant has not been reported in the literature in individuals affected with TMEM127-related conditions. For these reasons, this variant has been classified as Pathogenic.

Literature cited by the submitters: PubMed 20154675; PubMed 21156949.